The following is an entry in ClinVar:

ClinVar aggregate classification (germline): Pathogenic. Review status: reviewed by expert panel (3 of 4 stars). 5 submissions from 5 submitters: Pathogenic (1). 4 of the submissions do not count toward it. Last evaluated 2024-08-16.

Conditions:
SERPINC1-related disorder. Also called: SERPINC1-related condition.
Hereditary antithrombin deficiency (AT3D). Also called: Antithrombin III deficiency; Thrombophilia due to antithrombin III deficiency; Reduced antithrombin III activity; Antithrombin deficiency. Identifiers: Orphanet 82, MedGen C0272375, MONDO:0013144, OMIM 613118, HP:0001976.

Allele frequency attached by ClinVar (database versions not stated): gnomAD exomes below 0.00001; ExAC 0.00001; gnomAD 0.00001; TOPMed 0.00001; 1000 Genomes Project 30x 0.00016; 1000 Genomes Project 0.00020.
gnomAD v4.1: 1 of 1,614,140 alleles (0.000062%); highest among the groups gnomAD compares: East Asian, 0.0022%; no homozygotes.

Submissions (5):

Clingen Thrombosis Variant Curation Expert Panel, ClinGen
Classification: Pathogenic for Hereditary antithrombin deficiency. Last evaluated: 2024-08-16. Review status: reviewed by expert panel. Criteria: ClinGen ACMG Specifications SERPINC1 V1.0.0. Collection method: curation. Allele origin: germline. Inheritance: Autosomal dominant inheritance.
Comment: The c.1273C>T variant in SERPINC1 is a missense variant predicted to cause substitution of arginine by cysteine at amino acid 425 (p.Arg425Cys). This variant is seen with a total MAF of 0.0000006195, which meets PM2_Supporting. At least one patient with this variant displayed an antithrombin activity level of < 0.8 IU/mL on repeated independent samples, which is highly specific for hereditary antithrombin deficiency (PP4, PMID: 27098529). This variant has been reported in eight more probands with an antithrombin activity level of < 0.8 IU/mL, but not all of them had testing performed on repeated independent samples, crossed immunoelectrophoresis demonstrating an abnormal result or a family history (5.5 points awarded, PS4; PMIDs:22398878, 28300866, 23910795, 4049307, 22481271, 27098529). The variant has been reported to segregate with hereditary antithrombin deficiency in four affected family members, aside from the proband, from one family (PP1_Moderate; PMID:4049307). Another missense variant c.1274G>A (p.Arg425His) (ClinVarID:18019) in the same codon has been classified as pathogenic for hereditary antithrombin deficiency by the ClinGen Thrombosis VCEP (PM5). The computational predictor REVEL gives a score of 0.806, which is above the threshold of 0.6, evidence that correlates with impact to SERPINC1 function (PP3). In summary, this variant meets the criteria to be classified as pathogenic for autosomal dominant hereditary antithrombin deficiency based on the ACMG/AMP criteria applied, as specified by the ClinGen Thrombosis VCEP: PS4, PP1_Moderate, PM5, PM2_Supporting, PP3, PP4.

Labcorp Genetics (formerly Invitae), Labcorp
Classification: Pathogenic for Hereditary antithrombin deficiency. Last evaluated: 2025-07-21. Review status: criteria provided, single submitter. Criteria: Invitae Variant Classification Sherloc (09022015). Collection method: clinical testing. Allele origin: germline. Not counted in ClinVar's aggregate classification.
Comment: This sequence change replaces arginine, which is basic and polar, with cysteine, which is neutral and slightly polar, at codon 425 of the SERPINC1 protein (p.Arg425Cys). This variant is present in population databases (rs121909554, gnomAD 0.006%). This missense change has been observed in individuals with antithrombin deficiency (PMID: 3179448, 4049307, 22481271, 27098529). It has also been observed to segregate with disease in related individuals. This variant is also known as R393C, Arg393Cys, and Antithrombin III Northwick Park. ClinVar contains an entry for this variant (Variation ID: 18016). Invitae Evidence Modeling of protein sequence and biophysical properties (such as structural, functional, and spatial information, amino acid conservation, physicochemical variation, residue mobility, and thermodynamic stability) indicates that this missense variant is expected to disrupt SERPINC1 protein function with a positive predictive value of 80%. Experimental studies have shown that this missense change affects SERPINC1 function (PMID: 22481271). This variant disrupts the p.Arg425 amino acid residue in SERPINC1. Other variant(s) that disrupt this residue have been determined to be pathogenic (PMID: 22481271, 28317092). This suggests that this residue is clinically significant, and that variants that disrupt this residue are likely to be disease-causing. For these reasons, this variant has been classified as Pathogenic.

Women's Health and Genetics/Laboratory Corporation of America, LabCorp
Classification: Pathogenic for Hereditary antithrombin deficiency. Last evaluated: 2025-04-02. Review status: criteria provided, single submitter. Criteria: LabCorp Variant Classification Summary - May 2015. Collection method: clinical testing. Allele origin: germline. Not counted in ClinVar's aggregate classification.
Comment: Variant summary: SERPINC1 c.1273C>T (p.Arg425Cys) results in a non-conservative amino acid change in the encoded protein sequence. Four of five in-silico tools predict a damaging effect of the variant on protein function. The variant allele was found at a frequency of 4e-06 in 251344 control chromosomes. c.1273C>T has been reported in the literature in the heterozygous state in multiple individuals affected with Antithrombin III Deficiency and segregated with disease in at least two families (Thein_1988, David_2004). These data indicate that the variant is very likely to be associated with disease. At least one publication reports experimental evidence evaluating an impact on protein function. The most pronounced variant effect results in ~50% of normal activity (Martinez_2012). This variant is also known as R393C, Arg393Cys, and Antithrombin III Northwick Park. The following publications have been ascertained in the context of this evaluation (PMID: 15164384, 22481271, 3179448). ClinVar contains an entry for this variant (Variation ID: 18016). Based on the evidence outlined above, the variant was classified as pathogenic.

PreventionGenetics, part of Exact Sciences
Classification: Pathogenic for SERPINC1-related condition. Last evaluated: 2024-10-09. Review status: criteria provided, single submitter. Criteria: ACMG Guidelines, 2015. Collection method: clinical testing. Allele origin: germline. Not counted in ClinVar's aggregate classification.
Comment: The SERPINC1 c.1273C>T variant is predicted to result in the amino acid substitution p.Arg425Cys. This variant, previously described as p.Arg393Cys and Antithrombin Northwick Park, and another missense change at the same position (p.Arg393His) have previously been shown to be causative for antithrombin deficiency (Martinez-Martinez et al. 2012. PubMed ID: 22481271; Thein et al. 1988. PubMed ID: 3179448). In one family, the c.1273C>T variant segregated with antithrombin deficiency in a three generational family with four affected individuals (Martinez-Martinez et al. 2012. PubMed ID: 22481271). This variant is reported in 0.0054% of alleles in individuals of East Asian descent in gnomAD. This variant is interpreted as pathogenic.

OMIM
Classification: Pathogenic for THROMBOPHILIA DUE TO ANTITHROMBIN III DEFICIENCY. Last evaluated: 1988-08-30. Review status: no assertion criteria provided. Collection method: literature only. Allele origin: germline. Not counted in ClinVar's aggregate classification.

Literature cited by the submitters: PubMed 3179448 (cited by Labcorp Genetics (formerly Invitae), Labcorp and Women's Health and Genetics/Laboratory Corporation of America, LabCorp); PubMed 4049307 (cited by Labcorp Genetics (formerly Invitae), Labcorp); PubMed 22481271 (cited by Labcorp Genetics (formerly Invitae), Labcorp and Women's Health and Genetics/Laboratory Corporation of America, LabCorp); PubMed 27098529 (cited by Labcorp Genetics (formerly Invitae), Labcorp); PubMed 28317092 (cited by Labcorp Genetics (formerly Invitae), Labcorp); PubMed 15164384 (cited by Women's Health and Genetics/Laboratory Corporation of America, LabCorp); PubMed 3187951 (cited by OMIM).

NM_000488.4(SERPINC1):c.1273C>T (p.Arg425Cys)

Gene: SERPINC1 (serpin family C member 1; minus strand). Cytogenetic location: 1q25.1.
Variant type: single nucleotide variant.
Coding change: c.1273C>T on transcript NM_000488.4 (MANE Select); coding-DNA position 1273, C replaced by T.
Protein change: p.Arg425Cys; replaces arginine 425 with cysteine.
Molecular consequence: missense variant.
Genome position (GRCh38, 1-based): chr1:173,904,011, G>A on the plus strand (C>T on the coding strand, the complement: SERPINC1 is on the minus strand). VCF-style: chr1-173904011-G-A. GRCh37 (hg19) VCF-style: chr1-173873149-G-A.
Other names: R393C; NM_000488.4(SERPINC1):c.1273C>T; c.1129C>T, p.Arg377Cys (NM_001365052.2); c.1396C>T, p.Arg466Cys (NM_001386302.1); c.1354C>T, p.Arg452Cys (NM_001386303.1); c.1252C>T, p.Arg418Cys (NM_001386304.1); c.1216C>T, p.Arg406Cys (NM_001386305.1); c.1057C>T, p.Arg353Cys (NM_001386306.1); short protein forms R425C, R377C, R353C, R406C, R418C, R452C, R466C.
Identifiers: ClinVar variation 18016 (VCV000018016.12), dbSNP rs121909554, ClinGen allele CA210762.
Genomic context (GRCh38, chr1:173,904,011, plus strand): 5'-TTATAAAAACCAGGAAAGGCCTGTTGGCCTTGAAAGTCACCCTGTTGGGGTTTAGCGAAC[G>A]GCCAGCAATCACAACAGCGGTACTTGCAGCTGCTTCACTGCCTTCTTCATTTACCTGCAG-3'
Protein context (NP_000479.1, residues 415-435): AASTAVVIAG[Arg425Cys]SLNPNRVTFK